The following is an entry in ClinVar:

NM_001013703.4(EIF2AK4):c.1758C>A (p.Tyr586Ter)

Gene: EIF2AK4 (eukaryotic translation initiation factor 2 alpha kinase 4; plus strand). Cytogenetic location: 15q15.1.
Variant type: single nucleotide variant.
Coding change: c.1758C>A on transcript NM_001013703.4 (MANE Select); coding-DNA position 1758, C replaced by A.
Protein change: p.Tyr586Ter; replaces tyrosine 586 with a stop codon.
Molecular consequence: nonsense.
Genome position (GRCh38, 1-based): chr15:39,973,689, C>A. VCF-style: chr15-39973689-C-A. GRCh37 (hg19) VCF-style: chr15-40265890-C-A.
Other names: short protein forms Y586*.
Identifiers: ClinVar variation 1947240 (VCV001947240.5), dbSNP rs1226609590, ClinGen allele CA391682751.

ClinVar aggregate classification (germline): Pathogenic (1 of 4 stars; one submission).

Allele frequency attached by ClinVar (database versions not stated): gnomAD exomes 0.00001.
gnomAD v4.1: 14 of 1,614,178 alleles (0.00087%); highest among the groups gnomAD compares: Non-Finnish European, 0.0012%; no homozygotes.

Submission:

Labcorp Genetics (formerly Invitae), Labcorp
Classification: Pathogenic. Last evaluated: 2022-03-19. Review status: criteria provided, single submitter. Criteria: Invitae Variant Classification Sherloc (09022015). Collection method: clinical testing. Allele origin: germline.
Comment: This sequence change creates a premature translational stop signal (p.Tyr586*) in the EIF2AK4 gene. It is expected to result in an absent or disrupted protein product. Loss-of-function variants in EIF2AK4 are known to be pathogenic (PMID: 12215525, 24135949, 24292273, 24310610, 28972005, 29743074). This variant is present in population databases (no rsID available, gnomAD 0.007%). This variant has not been reported in the literature in individuals affected with EIF2AK4-related conditions. For these reasons, this variant has been classified as Pathogenic.

Literature cited by the submitters: PubMed 12215525; PubMed 24135949; PubMed 24292273; PubMed 24310610; PubMed 28972005; PubMed 29743074.